The following is an entry in ClinVar:

NM_000257.4(MYH7):c.2511G>C (p.Lys837Asn)

Genes: MYH7 (myosin heavy chain 7; minus strand), LOC126861898 (BRD4-independent group 4 enhancer GRCh37_chr14:23893609-23894808; plus strand). Cytogenetic location: 14q11.2.
Variant type: single nucleotide variant.
Coding change: c.2511G>C on transcript NM_000257.4 (MANE Select); coding-DNA position 2511, G replaced by C.
Protein change: p.Lys837Asn; replaces lysine 837 with asparagine.
Molecular consequence: missense variant.
Genome position (GRCh38, 1-based): chr14:23,424,937, C>G on the plus strand (G>C on the coding strand, the complement: MYH7 is on the minus strand). VCF-style: chr14-23424937-C-G. GRCh37 (hg19) VCF-style: chr14-23894146-C-G.
Other names: c.2511G>C, p.Lys837Asn (NM_001407004.1); short protein forms K837N.
Identifiers: ClinVar variation 4072451 (VCV004072451.1).

ClinVar aggregate classification (germline): Uncertain significance (1 of 4 stars; one submission).

Submission:

GeneDx
Classification: Uncertain significance. Last evaluated: 2025-01-31. Review status: criteria provided, single submitter. Criteria: GeneDx Variant Classification Process June 2021. Collection method: clinical testing. Allele origin: germline. Affected: yes.
Comment: Has not been previously published as pathogenic or benign to our knowledge; Not observed at significant frequency in large population cohorts (gnomAD); In silico analysis supports that this missense variant has a deleterious effect on protein structure/function; This variant is associated with the following publications: (PMID: 27532257, 29300372)